The following is an entry in ClinVar:

NM_003640.5(ELP1):c.2437G>A (p.Gly813Arg)

Gene: ELP1 (elongator acetyltransferase complex subunit 1; minus strand). Cytogenetic location: 9q31.3.
Variant type: single nucleotide variant.
Coding change: c.2437G>A on transcript NM_003640.5 (MANE Select); coding-DNA position 2437, G replaced by A.
Protein change: p.Gly813Arg; replaces glycine 813 with arginine.
Molecular consequence: missense variant.
Genome position (GRCh38, 1-based): chr9:108,897,212, C>T on the plus strand (G>A on the coding strand, the complement: ELP1 is on the minus strand). VCF-style: chr9-108897212-C-T. GRCh37 (hg19) VCF-style: chr9-111659492-C-T.
Other names: c.2095G>A, p.Gly699Arg (NM_001318360.2); c.1390G>A, p.Gly464Arg (NM_001330749.2); short protein forms G464R, G699R, G813R.
Identifiers: ClinVar variation 1800094 (VCV001800094.5), dbSNP rs528801644, ClinGen allele CA5174645.

ClinVar aggregate classification (germline): Uncertain significance. Review status: criteria provided, multiple submitters, no conflicts (2 of 4 stars). 2 submissions from 2 submitters: Uncertain significance (2). Last evaluated 2025-04-08.

Allele frequency attached by ClinVar (database versions not stated): TOPMed below 0.00001; gnomAD exomes 0.00004; gnomAD 0.00001; 1000 Genomes Project 0.00020; ExAC 0.00004; 1000 Genomes Project 30x 0.00016.
gnomAD v4.1: 54 of 1,614,088 alleles (0.0033%); highest among the groups gnomAD compares: South Asian, 0.021%; no homozygotes.

Submissions (2):

Ambry Genetics
Classification: Uncertain significance. Last evaluated: 2025-04-08. Review status: criteria provided, single submitter. Criteria: Ambry Variant Classification Scheme 2023. Collection method: clinical testing. Allele origin: germline.

Labcorp Genetics (formerly Invitae), Labcorp
Classification: Uncertain significance. Last evaluated: 2022-08-10. Review status: criteria provided, single submitter. Criteria: Invitae Variant Classification Sherloc (09022015). Collection method: clinical testing. Allele origin: germline.
Comment: This sequence change replaces glycine, which is neutral and non-polar, with arginine, which is basic and polar, at codon 813 of the ELP1 protein (p.Gly813Arg). This variant is present in population databases (rs528801644, gnomAD 0.03%). This variant has not been reported in the literature in individuals affected with ELP1-related conditions. Algorithms developed to predict the effect of missense changes on protein structure and function output the following: SIFT: "Tolerated"; PolyPhen-2: "Benign"; Align-GVGD: "Class C0". The arginine amino acid residue is found in multiple mammalian species, which suggests that this missense change does not adversely affect protein function. Algorithms developed to predict the effect of sequence changes on RNA splicing suggest that this variant may create or strengthen a splice site. In summary, the available evidence is currently insufficient to determine the role of this variant in disease. Therefore, it has been classified as a Variant of Uncertain Significance.